The following is an entry in ClinVar:

ClinVar aggregate classification (germline): Uncertain significance (1 of 4 stars; one submission).

Allele frequency attached by ClinVar (database versions not stated): gnomAD exomes below 0.00001.
gnomAD v4.1: 1 of 1,613,392 alleles (0.000062%); highest among the groups gnomAD compares: Non-Finnish European, 0.000085%; no homozygotes.

Submission:

Labcorp Genetics (formerly Invitae), Labcorp
Classification: Uncertain significance. Last evaluated: 2023-03-29. Review status: criteria provided, single submitter. Criteria: Invitae Variant Classification Sherloc (09022015). Collection method: clinical testing. Allele origin: germline.
Comment: This sequence change falls in intron 13 of the SBF1 gene. It does not directly change the encoded amino acid sequence of the SBF1 protein. This variant is not present in population databases (gnomAD no frequency). This variant has not been reported in the literature in individuals affected with SBF1-related conditions. Algorithms developed to predict the effect of sequence changes on RNA splicing suggest that this variant may create or strengthen a splice site. In summary, the available evidence is currently insufficient to determine the role of this variant in disease. Therefore, it has been classified as a Variant of Uncertain Significance.

NM_002972.4(SBF1):c.1431+12G>A

Gene: SBF1 (SET binding factor 1; minus strand). Cytogenetic location: 22q13.33.
Variant type: single nucleotide variant.
Coding change: c.1431+12G>A on transcript NM_002972.4 (MANE Select); 12 bases into the intron after coding-DNA position 1431, G replaced by A.
Molecular consequence: intron variant.
Genome position (GRCh38, 1-based): chr22:50,464,807, C>T on the plus strand (G>A on the coding strand, the complement: SBF1 is on the minus strand). VCF-style: chr22-50464807-C-T. GRCh37 (hg19) VCF-style: chr22-50903236-C-T.
Other names: c.1431+12G>A (NM_001410795.1); c.1434+12G>A (NM_001365819.1, NM_001410794.1).
Identifiers: ClinVar variation 2850599 (VCV002850599.3), dbSNP rs2067677499, ClinGen allele CA2410870187.